The following is an entry in ClinVar:

NM_152703.5(SAMD9L):c.1327G>C (p.Val443Leu)

Gene: SAMD9L (sterile alpha motif domain containing 9 like; minus strand). Cytogenetic location: 7q21.2.
Variant type: single nucleotide variant.
Coding change: c.1327G>C on transcript NM_152703.5 (MANE Select); coding-DNA position 1327, G replaced by C.
Protein change: p.Val443Leu; replaces valine 443 with leucine.
Molecular consequence: missense variant.
Genome position (GRCh38, 1-based): chr7:93,134,645, C>G on the plus strand (G>C on the coding strand, the complement: SAMD9L is on the minus strand). VCF-style: chr7-93134645-C-G. GRCh37 (hg19) VCF-style: chr7-92763958-C-G.
Other names: c.1327G>C, p.Val443Leu (NM_001350084.2, NM_001350085.2, NM_001303496.3 and 5 more transcripts); short protein forms V443L.
Identifiers: ClinVar variation 2693315 (VCV002693315.3), dbSNP rs964077468, ClinGen allele CA161962453.

ClinVar aggregate classification (germline): Uncertain significance (1 of 4 stars; one submission).

Allele frequency attached by ClinVar (database versions not stated): TOPMed below 0.00001.

Submission:

Labcorp Genetics (formerly Invitae), Labcorp
Classification: Uncertain significance. Last evaluated: 2023-11-04. Review status: criteria provided, single submitter. Criteria: Invitae Variant Classification Sherloc (09022015). Collection method: clinical testing. Allele origin: germline.
Comment: This sequence change replaces valine, which is neutral and non-polar, with leucine, which is neutral and non-polar, at codon 443 of the SAMD9L protein (p.Val443Leu). This variant is not present in population databases (gnomAD no frequency). This variant has not been reported in the literature in individuals affected with SAMD9L-related conditions. Advanced modeling of protein sequence and biophysical properties (such as structural, functional, and spatial information, amino acid conservation, physicochemical variation, residue mobility, and thermodynamic stability) performed at Invitae indicates that this missense variant is expected to disrupt SAMD9L protein function with a positive predictive value of 80%. In summary, the available evidence is currently insufficient to determine the role of this variant in disease. Therefore, it has been classified as a Variant of Uncertain Significance.